The following is an entry in ClinVar:

NM_000038.6(APC):c.5744A>T (p.Lys1915Met)

Gene: APC (APC regulator of Wnt signaling pathway; plus strand). Cytogenetic location: 5q22.2.
Variant type: single nucleotide variant.
Coding change: c.5744A>T on transcript NM_000038.6 (MANE Select); coding-DNA position 5744, A replaced by T.
Protein change: p.Lys1915Met; replaces lysine 1915 with methionine.
Molecular consequence: missense variant. On other transcripts: non-coding transcript variant (2).
Genome position (GRCh38, 1-based): chr5:112,841,338, A>T. VCF-style: chr5-112841338-A-T. GRCh37 (hg19) VCF-style: chr5-112177035-A-T.
Other names: c.5744A>T, p.Lys1915Met (NM_001127510.3, NM_001354895.2, NM_001407450.1); c.5690A>T, p.Lys1897Met (NM_001127511.3); c.5798A>T, p.Lys1933Met (NM_001354896.2, NM_001407447.1, NM_001407448.1 and 1 more transcripts); c.5774A>T, p.Lys1925Met (NM_001354897.2); c.5669A>T, p.Lys1890Met (NM_001354898.2); c.5660A>T, p.Lys1887Met (NM_001354899.2); c.5621A>T, p.Lys1874Met (NM_001354900.2); c.5567A>T, p.Lys1856Met (NM_001354901.2, NM_001407453.1); and 11 more; short protein forms K1531M, K1824M, K1887M, K1908M, K1925M, K1943M, K1755M, K1786M.
Identifiers: ClinVar variation 5024730 (VCV005024730.1).

ClinVar aggregate classification (germline): Uncertain significance (1 of 4 stars; one submission).

Conditions:
Hereditary cancer-predisposing syndrome. Also called: Neoplastic Syndromes, Hereditary; Tumor predisposition; Hereditary neoplastic syndrome; Hereditary Cancer Syndrome. Identifiers: Orphanet 140162, MedGen C0027672, MeSH D009386, MONDO:0015356.

Submission:

Ambry Genetics
Classification: Uncertain significance for Hereditary cancer-predisposing syndrome. Last evaluated: 2026-06-25. Review status: criteria provided, single submitter. Criteria: Ambry Variant Classification Scheme 2023. Collection method: clinical testing. Allele origin: germline.
Comment: The p.K1915M variant (also known as c.5744A>T), located in coding exon 15 of the APC gene, results from an A to T substitution at nucleotide position 5744. The lysine at codon 1915 is replaced by methionine, an amino acid with similar properties. This amino acid position is conserved. In addition, in silico predictors for this gene do not accurately predict pathogenicity. Based on the available evidence, the clinical significance of this variant remains unclear.